The following is an entry in ClinVar:

ClinVar aggregate classification (germline): Uncertain significance (1 of 4 stars; one submission).

Submission:

GeneDx
Classification: Uncertain significance. Last evaluated: 2023-11-02. Review status: criteria provided, single submitter. Criteria: GeneDx Variant Classification Process June 2021. Collection method: clinical testing. Allele origin: germline. Affected: yes.
Comment: Not observed at significant frequency in large population cohorts (gnomAD); Nonsense variant predicted to result in protein truncation or nonsense mediated decay in a gene or region of a gene for which loss of function is not a well-established mechanism of disease; Has not been previously published as pathogenic or benign to our knowledge

NM_001395159.1(UNC79):c.754C>T (p.Gln252Ter)

Gene: UNC79 (unc-79 homolog, NALCN channel complex subunit; plus strand). Cytogenetic location: 14q32.12.
Variant type: single nucleotide variant.
Coding change: c.754C>T on transcript NM_001395159.1 (MANE Select); coding-DNA position 754, C replaced by T.
Protein change: p.Gln252Ter; replaces glutamine 252 with a stop codon.
Molecular consequence: nonsense.
Genome position (GRCh38, 1-based): chr14:93,496,452, C>T. VCF-style: chr14-93496452-C-T. GRCh37 (hg19) VCF-style: chr14-93962798-C-T.
Other names: c.754C>T, p.Gln252Ter (NM_001346218.2); c.223C>T, p.Gln75Ter (NM_020818.5); short protein forms Q252*, Q75*.
Identifiers: ClinVar variation 3363455 (VCV003363455.1).
Genomic context (GRCh38, chr14:93,496,452, plus strand): 5'-TACATTTTCTACATTACAGTGTATCATTGTCAATTACTGGAATGCCTCATGAAATATAAA[C>T]AAGAAGTCTGGAAAGTAAGTTTTGGGTCAAATTTAACCCATAGTCACAAACTTAATTTGT-3'